The following is an entry in ClinVar:

NM_000166.6(GJB1):c.119C>T (p.Ala40Val)

Gene: GJB1 (gap junction protein beta 1; plus strand). Cytogenetic location: Xq13.1.
Variant type: single nucleotide variant.
Coding change: c.119C>T on transcript NM_000166.6 (MANE Select); coding-DNA position 119, C replaced by T.
Protein change: p.Ala40Val; replaces alanine 40 with valine.
Molecular consequence: missense variant.
Genome position (GRCh38, 1-based): chrX:71,223,826, C>T. VCF-style: chrX-71223826-C-T. GRCh37 (hg19) VCF-style: chrX-70443676-C-T.
Other names: c.119C>T, p.Ala40Val (NM_001097642.3); short protein forms A40V.
Identifiers: ClinVar variation 637200 (VCV000637200.10), dbSNP rs1602348786, ClinGen allele CA413500994.

ClinVar aggregate classification (germline): Pathogenic. Review status: criteria provided, single submitter (1 of 4 stars). 2 submissions from 2 submitters: Pathogenic (1). 1 of the submissions does not count toward it. Last evaluated 2022-10-24.

Conditions:
Charcot-Marie-Tooth disease. Also called: Charcot-Marie-Tooth Hereditary Neuropathy; Charcot-Marie-Tooth Neuropathy. Identifiers: Orphanet 166, MedGen C0007959, MONDO:0015626.
Charcot-Marie-Tooth Neuropathy X. Identifiers: MedGen CN118851.

Submissions (2):

Labcorp Genetics (formerly Invitae), Labcorp
Classification: Pathogenic for Charcot-Marie-Tooth Neuropathy X. Last evaluated: 2022-10-24. Review status: criteria provided, single submitter. Criteria: Invitae Variant Classification Sherloc (09022015). Collection method: clinical testing. Allele origin: germline.
Comment: This sequence change replaces alanine, which is neutral and non-polar, with valine, which is neutral and non-polar, at codon 40 of the GJB1 protein (p.Ala40Val). This variant is not present in population databases (gnomAD no frequency). This missense change has been observed in individuals with Charcot-Marie-Tooth disease (PMID: 8800924, 28768847). ClinVar contains an entry for this variant (Variation ID: 637200). Advanced modeling of protein sequence and biophysical properties (such as structural, functional, and spatial information, amino acid conservation, physicochemical variation, residue mobility, and thermodynamic stability) performed at Invitae indicates that this missense variant is not expected to disrupt GJB1 protein function. Experimental studies have shown that this missense change affects GJB1 function (PMID: 12460545). This variant disrupts the p.Ala40 amino acid residue in GJB1. Other variant(s) that disrupt this residue have been observed in individuals with GJB1-related conditions (PMID: 12536289, 28768847), which suggests that this may be a clinically significant amino acid residue. For these reasons, this variant has been classified as Pathogenic.

Inherited Neuropathy Consortium
Classification: Uncertain significance for Charcot-Marie-Tooth disease. Review status: no assertion criteria provided. Collection method: literature only. Allele origin: germline. Affected: yes. Not counted in ClinVar's aggregate classification.

Literature cited by the submitters: PubMed 8800924 (cited by Labcorp Genetics (formerly Invitae), Labcorp and Inherited Neuropathy Consortium); PubMed 28768847 (cited by Labcorp Genetics (formerly Invitae), Labcorp); PubMed 12460545 (cited by Labcorp Genetics (formerly Invitae), Labcorp); PubMed 12536289 (cited by Labcorp Genetics (formerly Invitae), Labcorp).